The following is an entry in ClinVar:

ClinVar aggregate classification (germline): Uncertain significance (1 of 4 stars; one submission).

Conditions:
Hypertrophic cardiomyopathy 10. Also called: CARDIOMYOPATHY, HYPERTROPHIC, MID-LEFT VENTRICULAR CHAMBER TYPE, 2; MYL2-Related Familial Hypertrophic Cardiomyopathy. Identifiers: MedGen C1834460, MONDO:0012112, OMIM 608758.

Submission:

Labcorp Genetics (formerly Invitae), Labcorp
Classification: Uncertain significance for Hypertrophic cardiomyopathy 10. Last evaluated: 2025-08-10. Review status: criteria provided, single submitter. Criteria: Invitae Variant Classification Sherloc (09022015). Collection method: clinical testing. Allele origin: germline.
Comment: This sequence change replaces lysine, which is basic and polar, with asparagine, which is neutral and polar, at codon 115 of the MYL2 protein (p.Lys115Asn). This variant is not present in population databases (gnomAD no frequency). This variant has not been reported in the literature in individuals affected with MYL2-related conditions. An algorithm developed to predict the effect of missense changes on protein structure and function (PolyPhen-2) suggests that this variant is likely to be tolerated. In summary, the available evidence is currently insufficient to determine the role of this variant in disease. Therefore, it has been classified as a Variant of Uncertain Significance.

NM_000432.4(MYL2):c.345G>C (p.Lys115Asn)

Gene: MYL2 (myosin light chain 2; minus strand). Cytogenetic location: 12q24.11.
Variant type: single nucleotide variant.
Coding change: c.345G>C on transcript NM_000432.4 (MANE Select); coding-DNA position 345, G replaced by C.
Protein change: p.Lys115Asn; replaces lysine 115 with asparagine.
Molecular consequence: missense variant.
Genome position (GRCh38, 1-based): chr12:110,913,254, C>G on the plus strand (G>C on the coding strand, the complement: MYL2 is on the minus strand). VCF-style: chr12-110913254-C-G. GRCh37 (hg19) VCF-style: chr12-111351058-C-G.
Other names: c.303G>C, p.Lys101Asn (NM_001406745.1); c.288G>C, p.Lys96Asn (NM_001406916.1); short protein forms K115N, K96N, K101N.
Identifiers: ClinVar variation 4725132 (VCV004725132.1).
Genomic context (GRCh38, chr12:110,913,254, plus strand): 5'-GGGACAGGGGGCAAGCAGGGAACCCCCTTCCTCCCCCACAGACCCCACTCACTAATCAGC[C>G]TTCAGCACCCCTTTGCCTTCAGGGTCAAACACTTTGAATGCGTTGAGAATGGTTTCCTCA-3'
Protein context (NP_000423.2, residues 105-125): VFDPEGKGVL[Lys115Asn]ADYVREMLTT